The following is an entry in ClinVar:

ClinVar aggregate classification (germline): Conflicting classifications of pathogenicity. Review status: criteria provided, conflicting classifications (1 of 4 stars). 5 submissions from 5 submitters: Uncertain significance (1); Likely benign (3). 1 of the submissions does not count toward it. Last evaluated 2026-02-01.

Conditions:
Donnai-Barrow syndrome. Also called: DBS/FOAR SYNDROME; FACIOOCULOACOUSTICORENAL SYNDROME. Identifiers: Orphanet 2143, MedGen C1857277, MONDO:0009104, OMIM 222448.
LRP2-related disorder. Also called: LRP2-related condition.

Allele frequency attached by ClinVar (database versions not stated): gnomAD 0.00011; TOPMed 0.00013; ESP Exome Variant Server 0.00015; ExAC 0.00016; gnomAD exomes 0.00016.
gnomAD v4.1: 320 of 1,613,516 alleles (0.02%); highest among the groups gnomAD compares: Non-Finnish European, 0.024%; no homozygotes.

Submissions (5):

Labcorp Genetics (formerly Invitae), Labcorp
Classification: Likely benign. Last evaluated: 2026-02-01. Review status: criteria provided, single submitter. Criteria: Invitae Variant Classification Sherloc (09022015). Collection method: clinical testing. Allele origin: germline.

Blueprint Genetics
Classification: Likely benign. Last evaluated: 2024-07-24. Review status: criteria provided, single submitter. Criteria: ACMG Guidelines, 2015. Collection method: clinical testing. Allele origin: germline.

Genome-Nilou Lab
Classification: Likely benign for Donnai-Barrow syndrome. Last evaluated: 2021-07-15. Review status: criteria provided, single submitter. Criteria: ACMG Guidelines, 2015. Collection method: clinical testing. Allele origin: germline. Affected: no.

Illumina Laboratory Services, Illumina
Classification: Uncertain significance for Donnai-Barrow syndrome. Last evaluated: 2018-01-13. Review status: criteria provided, single submitter. Criteria: ICSL Variant Classification Criteria 13 December 2019. Collection method: clinical testing. Allele origin: germline.

PreventionGenetics, part of Exact Sciences
Classification: Likely benign for LRP2-related condition. Last evaluated: 2019-07-22. Review status: no assertion criteria provided. Collection method: clinical testing. Allele origin: germline. Not counted in ClinVar's aggregate classification.
Comment: This variant is classified as likely benign based on ACMG/AMP sequence variant interpretation guidelines (Richards et al. 2015 PMID: 25741868, with internal and published modifications).

NM_004525.3(LRP2):c.5370A>G (p.Gln1790=)

Gene: LRP2 (LDL receptor related protein 2; minus strand). Cytogenetic location: 2q31.1.
Variant type: single nucleotide variant.
Coding change: c.5370A>G on transcript NM_004525.3 (MANE Select); coding-DNA position 5370, A replaced by G.
Protein change: p.Gln1790=; no amino-acid change (glutamine 1790 retained).
Molecular consequence: synonymous variant.
Genome position (GRCh38, 1-based): chr2:169,226,446, T>C on the plus strand (A>G on the coding strand, the complement: LRP2 is on the minus strand). VCF-style: chr2-169226446-T-C. GRCh37 (hg19) VCF-style: chr2-170082956-T-C.
Identifiers: ClinVar variation 736317 (VCV000736317.18), dbSNP rs201155152, ClinGen allele CA1954557.